The following is an entry in ClinVar:

ClinVar aggregate classification (germline): Uncertain significance (1 of 4 stars; one submission).

gnomAD v4.1: 151 of 1,614,178 alleles (0.0094%); highest among the groups gnomAD compares: Non-Finnish European, 0.012%; no homozygotes.

Submission:

Women's Health and Genetics/Laboratory Corporation of America, LabCorp
Classification: Uncertain significance. Last evaluated: 2025-07-28. Review status: criteria provided, single submitter. Criteria: LabCorp Variant Classification Summary - May 2015. Collection method: clinical testing. Allele origin: germline.
Comment: Variant summary: TRIM63 c.263G>C (p.Gly88Ala) results in a non-conservative amino acid change in the encoded protein sequence. Algorithms developed to predict the effect of missense changes on protein structure and function are either unavailable or do not agree on the potential impact of this missense change. The variant allele was found at a frequency of 5.6e-05 in 251228 control chromosomes. This frequency is not significantly higher than estimated for a pathogenic variant in TRIM63 causing Hypertrophic Cardiomyopathy, Autosomal Recessive (5.6e-05 vs 0.0032), allowing no conclusion about variant significance. To our knowledge, no occurrence of c.263G>C in individuals affected with Hypertrophic Cardiomyopathy, Autosomal Recessive and no experimental evidence demonstrating its impact on protein function have been reported. No submitters have cited clinical-significance assessments for this variant to ClinVar. Based on the evidence outlined above, the variant was classified as uncertain significance.

NM_032588.4(TRIM63):c.263G>C (p.Gly88Ala)

Gene: TRIM63 (tripartite motif containing 63; minus strand). Cytogenetic location: 1p36.11.
Variant type: single nucleotide variant.
Coding change: c.263G>C on transcript NM_032588.4 (MANE Select); coding-DNA position 263, G replaced by C.
Protein change: p.Gly88Ala; replaces glycine 88 with alanine.
Molecular consequence: missense variant.
Genome position (GRCh38, 1-based): chr1:26,066,337, C>G on the plus strand (G>C on the coding strand, the complement: TRIM63 is on the minus strand). VCF-style: chr1-26066337-C-G. GRCh37 (hg19) VCF-style: chr1-26392828-C-G.
Other names: short protein forms G88A.
Identifiers: ClinVar variation 4526186 (VCV004526186.1).